The following is an entry in ClinVar:

NM_007194.4(CHEK2):c.1506A>G (p.Glu502=)

Gene: CHEK2 (checkpoint kinase 2; minus strand). Cytogenetic location: 22q12.1.
Variant type: single nucleotide variant.
Coding change: c.1506A>G on transcript NM_007194.4 (MANE Select); coding-DNA position 1506, A replaced by G.
Protein change: p.Glu502=; no amino-acid change (glutamic acid 502 retained).
Molecular consequence: synonymous variant.
Genome position (GRCh38, 1-based): chr22:28,689,171, T>C on the plus strand (A>G on the coding strand, the complement: CHEK2 is on the minus strand). VCF-style: chr22-28689171-T-C. GRCh37 (hg19) VCF-style: chr22-29085159-T-C.
Other names: c.1635A>G, p.Glu545= (NM_001005735.3); c.843A>G, p.Glu281= (NM_001257387.3); c.1305A>G, p.Glu435= (NM_001349956.3); c.1419A>G, p.Glu473= (NM_145862.3).
Identifiers: ClinVar variation 460804 (VCV000460804.14), dbSNP rs1555912021, ClinGen allele CA513944719.

ClinVar aggregate classification (germline): Benign/Likely benign. Review status: criteria provided, multiple submitters, no conflicts (2 of 4 stars). 4 submissions from 4 submitters: Benign (1); Likely benign (3). Last evaluated 2025-03-12.

Conditions:
Hereditary cancer-predisposing syndrome. Also called: Neoplastic Syndromes, Hereditary; Tumor predisposition; Hereditary Cancer Syndrome; Hereditary neoplastic syndrome. Identifiers: Orphanet 140162, MedGen C0027672, MeSH D009386, MONDO:0015356.
Familial cancer of breast. Also called: BREAST CANCER, FAMILIAL; hereditary breast carcinoma; Hereditary breast cancer. Identifiers: Orphanet 227535, MedGen C0346153, MONDO:0016419, OMIM 114480. Disease mechanism: loss of function.

Submissions (4):

Labcorp Genetics (formerly Invitae), Labcorp
Classification: Likely benign for Familial cancer of breast. Last evaluated: 2025-03-12. Review status: criteria provided, single submitter. Criteria: Invitae Variant Classification Sherloc (09022015). Collection method: clinical testing. Allele origin: germline.

Myriad Genetics, Inc.
Classification: Benign for Familial cancer of breast. Last evaluated: 2024-10-08. Review status: criteria provided, single submitter. Criteria: Myriad Autosomal Dominant, Autosomal Recessive and X-Linked Classification Criteria (2023). Collection method: clinical testing. Allele origin: unknown.
Comment: This variant is considered benign. This variant is a silent/synonymous amino acid change and it is not expected to impact splicing.

Ambry Genetics
Classification: Likely benign for Hereditary cancer-predisposing syndrome. Last evaluated: 2023-10-26. Review status: criteria provided, single submitter. Criteria: Ambry Variant Classification Scheme 2023. Collection method: clinical testing. Allele origin: germline.

Color Diagnostics, LLC DBA Color Health
Classification: Likely benign for Hereditary cancer-predisposing syndrome. Last evaluated: 2017-07-13. Review status: criteria provided, single submitter. Criteria: ACMG Guidelines, 2015. Collection method: clinical testing. Allele origin: germline.